The following is an entry in ClinVar:

ClinVar aggregate classification (germline): Likely benign (0 of 4 stars; one submission).

Conditions:
ADCY1-related disorder. Also called: ADCY1-related condition.

Allele frequency attached by ClinVar (database versions not stated): TOPMed below 0.00001; gnomAD exomes 0.00001.
gnomAD v4.1: 8 of 1,614,238 alleles (0.0005%); highest among the groups gnomAD compares: Admixed American, 0.0017%; no homozygotes.

Submission:

PreventionGenetics, part of Exact Sciences
Classification: Likely benign for ADCY1-related condition. Last evaluated: 2019-06-11. Review status: no assertion criteria provided. Collection method: clinical testing. Allele origin: germline.
Comment: This variant is classified as likely benign based on ACMG/AMP sequence variant interpretation guidelines (Richards et al. 2015 PMID: 25741868, with internal and published modifications).

NM_021116.4(ADCY1):c.1374C>T (p.Tyr458=)

Gene: ADCY1 (adenylate cyclase 1; plus strand). Cytogenetic location: 7p12.3.
Variant type: single nucleotide variant.
Coding change: c.1374C>T on transcript NM_021116.4 (MANE Select); coding-DNA position 1374, C replaced by T.
Protein change: p.Tyr458=; no amino-acid change (tyrosine 458 retained).
Molecular consequence: synonymous variant.
Genome position (GRCh38, 1-based): chr7:45,660,108, C>T. VCF-style: chr7-45660108-C-T. GRCh37 (hg19) VCF-style: chr7-45699707-C-T.
Other names: c.699C>T, p.Tyr233= (NM_001281768.2).
Identifiers: ClinVar variation 3033424 (VCV003033424.2), dbSNP rs1281383000, ClinGen allele CA454883242.